The following is an entry in ClinVar:

NM_000742.4(CHRNA2):c.239C>T (p.Thr80Ile)

Gene: CHRNA2 (cholinergic receptor nicotinic alpha 2 subunit; minus strand). Cytogenetic location: 8p21.2.
Variant type: single nucleotide variant.
Coding change: c.239C>T on transcript NM_000742.4 (MANE Select); coding-DNA position 239, C replaced by T.
Protein change: p.Thr80Ile; replaces threonine 80 with isoleucine.
Molecular consequence: missense variant. On other transcripts: 5 prime UTR variant (4).
Genome position (GRCh38, 1-based): chr8:27,469,816, G>A on the plus strand (C>T on the coding strand, the complement: CHRNA2 is on the minus strand). VCF-style: chr8-27469816-G-A. GRCh37 (hg19) VCF-style: chr8-27327333-G-A.
Other names: c.239C>T, p.Thr80Ile (NM_001282455.2); c.-189C>T (NM_001347705.2); c.-234C>T (NM_001347706.2); c.-175C>T (NM_001347707.2); c.-223C>T (NM_001347708.2); short protein forms T80I.
Identifiers: ClinVar variation 1486447 (VCV001486447.8), dbSNP rs1812814759, ClinGen allele CA370812938.

ClinVar aggregate classification (germline): Uncertain significance (1 of 4 stars; one submission).

Conditions:
Familial sleep-related hypermotor epilepsy. Also called: Autosomal Dominant Sleep-Related Hypermotor (Hyperkinetic) Epilepsy. Identifiers: Orphanet 98784, MedGen C3696898, MONDO:0000030.

Allele frequency attached by ClinVar (database versions not stated): TOPMed below 0.00001.

Submission:

Labcorp Genetics (formerly Invitae), Labcorp
Classification: Uncertain significance. Last evaluated: 2025-06-29. Review status: criteria provided, single submitter. Criteria: Invitae Variant Classification Sherloc (09022015). Collection method: clinical testing. Allele origin: germline.
Comment: This sequence change replaces threonine, which is neutral and polar, with isoleucine, which is neutral and non-polar, at codon 80 of the CHRNA2 protein (p.Thr80Ile). This variant is not present in population databases (gnomAD no frequency). This variant has not been reported in the literature in individuals affected with CHRNA2-related conditions. ClinVar contains an entry for this variant (Variation ID: 1486447). Invitae Evidence Modeling of protein sequence and biophysical properties (such as structural, functional, and spatial information, amino acid conservation, physicochemical variation, residue mobility, and thermodynamic stability) indicates that this missense variant is not expected to disrupt CHRNA2 protein function with a negative predictive value of 95%. In summary, the available evidence is currently insufficient to determine the role of this variant in disease. Therefore, it has been classified as a Variant of Uncertain Significance.